The following is an entry in ClinVar:

NM_000465.4(BARD1):c.50G>A (p.Gly17Glu)

Gene: BARD1 (BRCA1 associated RING domain 1; minus strand). Cytogenetic location: 2q35.
Variant type: single nucleotide variant.
Coding change: c.50G>A on transcript NM_000465.4 (MANE Select); coding-DNA position 50, G replaced by A.
Protein change: p.Gly17Glu; replaces glycine 17 with glutamic acid.
Molecular consequence: missense variant. On other transcripts: non-coding transcript variant (3).
Genome position (GRCh38, 1-based): chr2:214,809,520, C>T on the plus strand (G>A on the coding strand, the complement: BARD1 is on the minus strand). VCF-style: chr2-214809520-C-T. GRCh37 (hg19) VCF-style: chr2-215674244-C-T.
Other names: c.50G>A, p.Gly17Glu (NM_001282543.2, NM_001282545.2, NM_001282548.2 and 1 more transcripts); short protein forms G17E.
Identifiers: ClinVar variation 3479738 (VCV003479738.2).

ClinVar aggregate classification (germline): Uncertain significance. Review status: criteria provided, multiple submitters, no conflicts (2 of 4 stars). 2 submissions from 2 submitters: Uncertain significance (2). Last evaluated 2025-04-20.

Conditions:
Hereditary cancer-predisposing syndrome. Also called: Tumor predisposition; Neoplastic Syndromes, Hereditary; Hereditary neoplastic syndrome; Hereditary Cancer Syndrome. Identifiers: Orphanet 140162, MedGen C0027672, MeSH D009386, MONDO:0015356.

Submissions (2):

Color Diagnostics, LLC DBA Color Health
Classification: Uncertain significance for Hereditary cancer-predisposing syndrome. Last evaluated: 2025-04-20. Review status: criteria provided, single submitter. Criteria: ACMG Guidelines, 2015. Collection method: clinical testing. Allele origin: germline.
Comment: This missense variant replaces glycine with glutamic acid at codon 17 of the BARD1 protein. Computational prediction suggests that this variant may not impact protein structure and function. To our knowledge, functional studies have not been reported for this variant. This variant has not been reported in individuals affected with BARD1-related disorders in the literature. This variant has not been identified in the general population by the Genome Aggregation Database (gnomAD). The available evidence is insufficient to determine the role of this variant in disease conclusively. Therefore, this variant is classified as a Variant of Uncertain Significance.

Ambry Genetics
Classification: Uncertain significance for Hereditary cancer-predisposing syndrome. Last evaluated: 2024-10-30. Review status: criteria provided, single submitter. Criteria: Ambry Variant Classification Scheme 2023. Collection method: clinical testing. Allele origin: germline.
Comment: The p.G17E variant (also known as c.50G>A), located in coding exon 1 of the BARD1 gene, results from a G to A substitution at nucleotide position 50. The glycine at codon 17 is replaced by glutamic acid, an amino acid with similar properties. This amino acid position is conserved. In addition, the in silico prediction for this alteration is inconclusive. Based on the available evidence, the clinical significance of this variant remains unclear.